The following is an entry in ClinVar:

ClinVar aggregate classification (germline): Uncertain significance (1 of 4 stars; one submission).

Allele frequency attached by ClinVar (database versions not stated): gnomAD exomes 0.00001; TOPMed 0.00001; ExAC 0.00002; gnomAD 0.00002.
gnomAD v4.1: 21 of 1,613,072 alleles (0.0013%); highest among the groups gnomAD compares: South Asian, 0.012%; no homozygotes.

Submission:

Labcorp Genetics (formerly Invitae), Labcorp
Classification: Uncertain significance. Last evaluated: 2022-01-26. Review status: criteria provided, single submitter. Criteria: Invitae Variant Classification Sherloc (09022015). Collection method: clinical testing. Allele origin: germline.
Comment: This sequence change replaces isoleucine, which is neutral and non-polar, with methionine, which is neutral and non-polar, at codon 592 of the VPS13A protein (p.Ile592Met). This variant is present in population databases (rs753661395, gnomAD 0.01%). This variant has not been reported in the literature in individuals affected with VPS13A-related conditions. Algorithms developed to predict the effect of missense changes on protein structure and function are either unavailable or do not agree on the potential impact of this missense change (SIFT: "Tolerated"; PolyPhen-2: "Possibly Damaging"; Align-GVGD: "Class C0"). Algorithms developed to predict the effect of sequence changes on RNA splicing suggest that this variant may create or strengthen a splice site. In summary, the available evidence is currently insufficient to determine the role of this variant in disease. Therefore, it has been classified as a Variant of Uncertain Significance.

NM_033305.3(VPS13A):c.1776A>G (p.Ile592Met)

Gene: VPS13A (vacuolar protein sorting 13 homolog A; plus strand). Cytogenetic location: 9q21.2.
Variant type: single nucleotide variant.
Coding change: c.1776A>G on transcript NM_033305.3 (MANE Select); coding-DNA position 1776, A replaced by G.
Protein change: p.Ile592Met; replaces isoleucine 592 with methionine.
Molecular consequence: missense variant.
Genome position (GRCh38, 1-based): chr9:77,238,182, A>G. VCF-style: chr9-77238182-A-G. GRCh37 (hg19) VCF-style: chr9-79853098-A-G.
Other names: c.1776A>G, p.Ile592Met (NM_001018037.2, NM_001018038.3, NM_015186.4); short protein forms I592M.
Identifiers: ClinVar variation 2155922 (VCV002155922.1), dbSNP rs753661395, ClinGen allele CA5091769.